The following is an entry in ClinVar:

ClinVar aggregate classification (germline): Uncertain significance (1 of 4 stars; one submission).

Allele frequency attached by ClinVar (database versions not stated): TOPMed below 0.00001; ExAC 0.00001; gnomAD 0.00001.
gnomAD v4.1: 7 of 1,614,100 alleles (0.00043%); highest among the groups gnomAD compares: African/African-American, 0.0013%; no homozygotes.

Submission:

Labcorp Genetics (formerly Invitae), Labcorp
Classification: Uncertain significance. Last evaluated: 2024-09-11. Review status: criteria provided, single submitter. Criteria: Invitae Variant Classification Sherloc (09022015). Collection method: clinical testing. Allele origin: germline.
Comment: This sequence change replaces glycine, which is neutral and non-polar, with serine, which is neutral and polar, at codon 901 of the BMP1 protein (p.Gly901Ser). This variant is present in population databases (rs769359150, gnomAD 0.0009%). This variant has not been reported in the literature in individuals affected with BMP1-related conditions. Invitae Evidence Modeling of protein sequence and biophysical properties (such as structural, functional, and spatial information, amino acid conservation, physicochemical variation, residue mobility, and thermodynamic stability) indicates that this missense variant is not expected to disrupt BMP1 protein function with a negative predictive value of 80%. In summary, the available evidence is currently insufficient to determine the role of this variant in disease. Therefore, it has been classified as a Variant of Uncertain Significance.

NM_006129.5(BMP1):c.2701G>A (p.Gly901Ser)

Gene: BMP1 (bone morphogenetic protein 1; plus strand). Cytogenetic location: 8p21.3.
Variant type: single nucleotide variant.
Coding change: c.2701G>A on transcript NM_006129.5 (MANE Select); coding-DNA position 2701, G replaced by A.
Protein change: p.Gly901Ser; replaces glycine 901 with serine.
Molecular consequence: missense variant. On other transcripts: non-coding transcript variant (1).
Genome position (GRCh38, 1-based): chr8:22,209,570, G>A. VCF-style: chr8-22209570-G-A. GRCh37 (hg19) VCF-style: chr8-22067083-G-A.
Other names: short protein forms G901S.
Identifiers: ClinVar variation 3006667 (VCV003006667.3), dbSNP rs769359150, ClinGen allele CA4665340.